The following is an entry in ClinVar:

NM_015072.5(TTLL5):c.2994C>G (p.Cys998Trp)

Gene: TTLL5 (tubulin tyrosine ligase like 5; plus strand). Cytogenetic location: 14q24.3.
Variant type: single nucleotide variant.
Coding change: c.2994C>G on transcript NM_015072.5 (MANE Select); coding-DNA position 2994, C replaced by G.
Protein change: p.Cys998Trp; replaces cysteine 998 with tryptophan.
Molecular consequence: missense variant.
Genome position (GRCh38, 1-based): chr14:75,792,923, C>G. VCF-style: chr14-75792923-C-G. GRCh37 (hg19) VCF-style: chr14-76259266-C-G.
Other names: short protein forms C998W.
Identifiers: ClinVar variation 1714573 (VCV001714573.5), dbSNP rs1321057474, ClinGen allele CA390473127.
Genomic context (GRCh38, chr14:75,792,923, plus strand): 5'-TTTTTCAGGCCTTTTTTTCCTAAATGAGTGAAAACTTTTCTCCGTTTTAGCAGGATCGTG[C>G]TATCTAAACAAGCATCATTCAGGAATAGCCAAAACACAAAAAGAGGGAGAAGATGCTTCT-3'
Protein context (NP_055887.3, residues 988-1008): SRPSSAKAGS[Cys998Trp]YLNKHHSGIA

ClinVar aggregate classification (germline): Uncertain significance (1 of 4 stars; one submission).

Submission:

Labcorp Genetics (formerly Invitae), Labcorp
Classification: Uncertain significance. Last evaluated: 2022-10-04. Review status: criteria provided, single submitter. Criteria: Invitae Variant Classification Sherloc (09022015). Collection method: clinical testing. Allele origin: germline.
Comment: This sequence change replaces cysteine, which is neutral and slightly polar, with tryptophan, which is neutral and slightly polar, at codon 998 of the TTLL5 protein (p.Cys998Trp). This variant is not present in population databases (gnomAD no frequency). In summary, the available evidence is currently insufficient to determine the role of this variant in disease. Therefore, it has been classified as a Variant of Uncertain Significance. Advanced modeling of protein sequence and biophysical properties (such as structural, functional, and spatial information, amino acid conservation, physicochemical variation, residue mobility, and thermodynamic stability) performed at Invitae indicates that this missense variant is not expected to disrupt TTLL5 protein function. This variant has not been reported in the literature in individuals affected with TTLL5-related conditions.